The following is an entry in ClinVar:

NM_001363711.2(DUOX2):c.2408C>T (p.Thr803Ile)

Gene: DUOX2 (dual oxidase 2; minus strand). Cytogenetic location: 15q21.1.
Variant type: single nucleotide variant.
Coding change: c.2408C>T on transcript NM_001363711.2 (MANE Select); coding-DNA position 2408, C replaced by T.
Protein change: p.Thr803Ile; replaces threonine 803 with isoleucine.
Molecular consequence: missense variant.
Genome position (GRCh38, 1-based): chr15:45,104,292, G>A on the plus strand (C>T on the coding strand, the complement: DUOX2 is on the minus strand). VCF-style: chr15-45104292-G-A. GRCh37 (hg19) VCF-style: chr15-45396490-G-A.
Other names: c.2408C>T, p.Thr803Ile (NM_014080.5); short protein forms T803I.
Identifiers: ClinVar variation 2501540 (VCV002501540.3), dbSNP rs779486571, ClinGen allele CA7538260.

ClinVar aggregate classification (germline): Uncertain significance. Review status: criteria provided, multiple submitters, no conflicts (2 of 4 stars). 2 submissions from 2 submitters: Uncertain significance (2). Last evaluated 2025-05-24.

Allele frequency attached by ClinVar (database versions not stated): ExAC 0.00001; gnomAD 0.00001.
gnomAD v4.1: 10 of 1,614,010 alleles (0.00062%); highest among the groups gnomAD compares: South Asian, 0.0088%; no homozygotes.

Submissions (2):

GeneDx
Classification: Uncertain significance. Last evaluated: 2025-05-24. Review status: criteria provided, single submitter. Criteria: GeneDx Variant Classification Process June 2021. Collection method: clinical testing. Allele origin: germline. Affected: yes.
Comment: In silico analysis supports that this missense variant has a deleterious effect on protein structure/function; Has not been previously published as pathogenic or benign to our knowledge

Blueprint Genetics
Classification: Uncertain significance. Last evaluated: 2021-07-09. Review status: criteria provided, single submitter. Criteria: ACMG Guidelines, 2015. Collection method: clinical testing. Allele origin: germline.